The following is an entry in ClinVar:

NM_138295.5(PKD1L1):c.1521A>G (p.Gln507=)

Gene: PKD1L1 (polycystin 1 like 1, transient receptor potential channel interacting; minus strand). Cytogenetic location: 7p12.3.
Variant type: single nucleotide variant.
Coding change: c.1521A>G on transcript NM_138295.5 (MANE Select); coding-DNA position 1521, A replaced by G.
Protein change: p.Gln507=; no amino-acid change (glutamine 507 retained).
Molecular consequence: synonymous variant.
Genome position (GRCh38, 1-based): chr7:47,905,844, T>C on the plus strand (A>G on the coding strand, the complement: PKD1L1 is on the minus strand). VCF-style: chr7-47905844-T-C. GRCh37 (hg19) VCF-style: chr7-47945441-T-C.
Identifiers: ClinVar variation 2629484 (VCV002629484.1), dbSNP rs149070884, ClinGen allele CA4254032.

ClinVar aggregate classification (germline): Uncertain significance (1 of 4 stars; one submission).

Conditions:
PKD1L1-related disorder. Also called: PKD1L1-related condition.

Allele frequency attached by ClinVar (database versions not stated): gnomAD exomes below 0.00001; ExAC 0.00001; gnomAD 0.00001; TOPMed 0.00005; ESP Exome Variant Server 0.00008.
gnomAD v4.1: 3 of 1,611,782 alleles (0.00019%); highest among the groups gnomAD compares: Admixed American, 0.0017%; no homozygotes.

Submission:

PreventionGenetics, part of Exact Sciences
Classification: Uncertain significance for PKD1L1-related condition. Last evaluated: 2023-04-05. Review status: criteria provided, single submitter. Criteria: ACMG Guidelines, 2015. Collection method: clinical testing. Allele origin: germline.
Comment: The PKD1L1 c.1521A>G variant is not predicted to result in an amino acid change (p.=). This variant is located near the exon/intron border and is predicted to weaken the canonical splice donor site based on available splicing prediction programs (Alamut Visual Plus v1.6.1). However, such computer prediction programs are imperfect. To our knowledge, this variant has not been reported in the literature. This variant is reported in 0.0062% of alleles in individuals of African descent in gnomAD. At this time, the clinical significance of this variant is uncertain due to the absence of conclusive functional and genetic evidence.